The following is an entry in ClinVar:

ClinVar aggregate classification (germline): Uncertain significance. Review status: criteria provided, multiple submitters, no conflicts (2 of 4 stars). 2 submissions from 2 submitters: Uncertain significance (2). Last evaluated 2025-03-20.

Conditions:
Inborn genetic diseases. Identifiers: MedGen C0950123, MeSH D030342.

Allele frequency attached by ClinVar (database versions not stated): gnomAD exomes below 0.00001; gnomAD 0.00001; TOPMed 0.00002.
gnomAD v4.1: 2 of 1,613,722 alleles (0.00012%); highest among the groups gnomAD compares: African/African-American, 0.0013%; no homozygotes.

Submissions (2):

Ambry Genetics
Classification: Uncertain significance for Inborn genetic diseases. Last evaluated: 2025-03-20. Review status: criteria provided, single submitter. Criteria: Ambry Variant Classification Scheme 2023. Collection method: clinical testing. Allele origin: germline.

Labcorp Genetics (formerly Invitae), Labcorp
Classification: Uncertain significance. Last evaluated: 2021-02-02. Review status: criteria provided, single submitter. Criteria: Invitae Variant Classification Sherloc (09022015). Collection method: clinical testing. Allele origin: germline.
Comment: Algorithms developed to predict the effect of missense changes on protein structure and function are either unavailable or do not agree on the potential impact of this missense change (SIFT: "Deleterious"; PolyPhen-2: "Probably Damaging"; Align-GVGD: "Class C15"). This variant has not been reported in the literature in individuals with GTPBP3-related conditions. This variant is not present in population databases (ExAC no frequency). This sequence change replaces leucine with phenylalanine at codon 470 of the GTPBP3 protein (p.Leu470Phe). The leucine residue is highly conserved and there is a small physicochemical difference between leucine and phenylalanine. In summary, the available evidence is currently insufficient to determine the role of this variant in disease. Therefore, it has been classified as a Variant of Uncertain Significance.

NM_032620.4(GTPBP3):c.1312C>T (p.Leu438Phe)

Gene: GTPBP3 (GTP binding protein 3, mitochondrial; plus strand). Cytogenetic location: 19p13.11.
Variant type: single nucleotide variant.
Coding change: c.1312C>T on transcript NM_032620.4 (MANE Select); coding-DNA position 1312, C replaced by T.
Protein change: p.Leu438Phe; replaces leucine 438 with phenylalanine.
Molecular consequence: missense variant.
Genome position (GRCh38, 1-based): chr19:17,341,536, C>T. VCF-style: chr19-17341536-C-T. GRCh37 (hg19) VCF-style: chr19-17452345-C-T.
Other names: c.1249C>T, p.Leu417Phe (NM_001128855.3); c.1378C>T, p.Leu460Phe (NM_001195422.1); c.1408C>T, p.Leu470Phe (NM_133644.4); c.1408C>T (NM_133644.3); short protein forms L417F, L438F, L460F, L470F.
Identifiers: ClinVar variation 1368957 (VCV001368957.7), dbSNP rs1174615202, ClinGen allele CA404739383.